The following is an entry in ClinVar:

ClinVar aggregate classification (germline): Uncertain significance. Review status: criteria provided, multiple submitters, no conflicts (2 of 4 stars). 2 submissions from 2 submitters: Uncertain significance (2). Last evaluated 2022-06-03.

Conditions:
Inborn genetic diseases. Identifiers: MedGen C0950123, MeSH D030342.

Allele frequency attached by ClinVar (database versions not stated): TOPMed below 0.00001; ExAC 0.00002.

Submissions (2):

Ambry Genetics
Classification: Uncertain significance for Inborn genetic diseases. Last evaluated: 2022-06-03. Review status: criteria provided, single submitter. Criteria: Ambry Variant Classification Scheme 2023. Collection method: clinical testing. Allele origin: germline.

Labcorp Genetics (formerly Invitae), Labcorp
Classification: Uncertain significance. Last evaluated: 2022-05-11. Review status: criteria provided, single submitter. Criteria: Invitae Variant Classification Sherloc (09022015). Collection method: clinical testing. Allele origin: germline.
Comment: This sequence change replaces glutamic acid, which is acidic and polar, with lysine, which is basic and polar, at codon 72 of the LHX3 protein (p.Glu72Lys). This variant is present in population databases (rs773397412, gnomAD 0.007%). This variant has not been reported in the literature in individuals affected with LHX3-related conditions. Algorithms developed to predict the effect of missense changes on protein structure and function are either unavailable or do not agree on the potential impact of this missense change (SIFT: "Not Available"; PolyPhen-2: "Benign"; Align-GVGD: "Not Available"). In summary, the available evidence is currently insufficient to determine the role of this variant in disease. Therefore, it has been classified as a Variant of Uncertain Significance.

NM_178138.6(LHX3):c.199G>A (p.Glu67Lys)

Gene: LHX3 (LIM homeobox 3; minus strand). Cytogenetic location: 9q34.3.
Variant type: single nucleotide variant.
Coding change: c.199G>A on transcript NM_178138.6 (MANE Select); coding-DNA position 199, G replaced by A.
Protein change: p.Glu67Lys; replaces glutamic acid 67 with lysine.
Molecular consequence: missense variant.
Genome position (GRCh38, 1-based): chr9:136,200,634, C>T on the plus strand (G>A on the coding strand, the complement: LHX3 is on the minus strand). VCF-style: chr9-136200634-C-T. GRCh37 (hg19) VCF-style: chr9-139092480-C-T.
Other names: c.166G>A, p.Glu56Lys (NM_001363746.1); c.214G>A, p.Glu72Lys (NM_014564.5); c.214G>A (NM_014564.3); short protein forms E56K, E67K, E72K.
Identifiers: ClinVar variation 2174026 (VCV002174026.2), dbSNP rs773397412, ClinGen allele CA5330589.